The following is an entry in ClinVar:

NM_000088.4(COL1A1):c.835_836delinsTCCTGCTGGTCC (p.Asp279fs)

Genes: COL1A1 (collagen type I alpha 1 chain; minus strand), LOC126862586 (CDK7 strongly-dependent group 2 enhancer GRCh37_chr17:48273702-48274901; plus strand). Cytogenetic location: 17q21.33.
Variant type: Indel.
Coding change: c.835_836delinsTCCTGCTGGTCC on transcript NM_000088.4 (MANE Select); coding-DNA positions 835 to 836, GA replaced by TCCTGCTGGTCC.
Protein change: p.Asp279fs; shifts the reading frame from aspartic acid 279.
Molecular consequence: frameshift variant.
Genome position (GRCh38, 1-based): chr17:50,196,639-50,196,640, TC replaced by GGACCAGCAGGA on the plus strand (GA replaced by TCCTGCTGGTCC on the coding strand, the reverse complement: COL1A1 is on the minus strand). VCF-style: chr17-50196639-TC-GGACCAGCAGGA. GRCh37 (hg19) VCF-style: chr17-48274000-TC-GGACCAGCAGGA.
Other names: c.835_836delGAinsTCCTGCTGGTCC (NM_000088.4); short protein forms D279fs.
Identifiers: ClinVar variation 1676228 (VCV001676228.2), dbSNP rs2144581910, ClinGen allele CA2499306899.

ClinVar aggregate classification (germline): Pathogenic (1 of 4 stars; one submission).

Conditions:
Osteogenesis imperfecta (OI). Identifiers: Orphanet 666, MedGen C0029434, MeSH D010013, MONDO:0019019.

Submission:

Molecular Genetics, Royal Melbourne Hospital
Classification: Pathogenic for Osteogenesis imperfecta. Last evaluated: 2023-03-30. Review status: criteria provided, single submitter. Criteria: ACMG Guidelines, 2015. Collection method: clinical testing. Allele origin: germline. Affected: yes.
Comment: This sequence change in COL1A1 is a frameshift variant predicted to cause a premature stop codon, p.(Asp279Serfs*11), in biologically-relevant-exon 13/51 leading to nonsense mediated decay in a gene in which loss-of-function is an established disease mechanism (ClinGen). This variant is absent from gnomAD v2.1 and v3.1. To our knowledge, this variant has not been reported in the literature in any individuals with COL1A1-related disorders. Based on the classification scheme RMH Modified ACMG Guidelines v1.4.0, this variant is classified as PATHOGENIC. Following criteria are met: PVS1, PS4_Supporting, PM2_Supporting.